The following is an entry in ClinVar:

NM_001270.4(CHD1):c.4287A>G (p.Lys1429=)

Gene: CHD1 (chromodomain helicase DNA binding protein 1; minus strand). Cytogenetic location: 5q15.
Variant type: single nucleotide variant.
Coding change: c.4287A>G on transcript NM_001270.4 (MANE Select); coding-DNA position 4287, A replaced by G.
Protein change: p.Lys1429=; no amino-acid change (lysine 1429 retained).
Molecular consequence: synonymous variant. On other transcripts: non-coding transcript variant (1).
Genome position (GRCh38, 1-based): chr5:98,863,548, T>C on the plus strand (A>G on the coding strand, the complement: CHD1 is on the minus strand). VCF-style: chr5-98863548-T-C. GRCh37 (hg19) VCF-style: chr5-98199252-T-C.
Other names: c.4551A>G, p.Lys1517= (NM_001364113.3); c.4287A>G, p.Lys1429= (NM_001376194.2).
Identifiers: ClinVar variation 4535022 (VCV004535022.6).

ClinVar aggregate classification (germline): Likely benign (1 of 4 stars; one submission).

gnomAD v4.1: 1 of 1,608,886 alleles (0.000062%); highest among the groups gnomAD compares: South Asian, 0.0011%; no homozygotes.

Submission:

CeGaT Center for Human Genetics Tuebingen
Classification: Likely benign. Last evaluated: 2025-10-01. Review status: criteria provided, single submitter. Criteria: CeGaT Center For Human Genetics Tuebingen Variant Classification Criteria Version 2. Collection method: clinical testing. Allele origin: germline. Affected: yes. Observed: 1 variant allele.
Comment: CHD1: BP4, BP7